The following is an entry in ClinVar:

NM_004006.3(DMD):c.8053G>A (p.Glu2685Lys)

Gene: DMD (dystrophin; minus strand). Cytogenetic location: Xp21.1.
Variant type: single nucleotide variant.
Coding change: c.8053G>A on transcript NM_004006.3 (MANE Select); coding-DNA position 8053, G replaced by A.
Protein change: p.Glu2685Lys; replaces glutamic acid 2685 with lysine.
Molecular consequence: missense variant.
Genome position (GRCh38, 1-based): chrX:31,627,837, C>T on the plus strand (G>A on the coding strand, the complement: DMD is on the minus strand). VCF-style: chrX-31627837-C-T. GRCh37 (hg19) VCF-style: chrX-31645954-C-T.
Other names: c.8029G>A, p.Glu2677Lys (NM_000109.4); c.8041G>A, p.Glu2681Lys (NM_004009.3); c.7684G>A, p.Glu2562Lys (NM_004010.3); c.4030G>A, p.Glu1344Lys (NM_004011.4); c.4021G>A, p.Glu1341Lys (NM_004012.4); c.673G>A, p.Glu225Lys (NM_004013.3, NM_004020.4, NM_004021.3 and 2 more transcripts); short protein forms E2685K, E1344K, E2562K, E2677K, E1341K, E225K, E2681K.
Identifiers: ClinVar variation 518815 (VCV000518815.25), dbSNP rs748937055, ClinGen allele CA10378144.
Genomic context (GRCh38, chrX:31,627,837, plus strand): 5'-GCCAGGCAAGAAACTTTTCCAGGTCCAGGGGGAACTGTTGCAGTAATCTATGAGTTTCTT[C>T]CAAAGCAGCCTCTCGCTCACTCACCCTGCAAAGGACCAAATGTTCAGATGCAATTATTAA-3'
Protein context (NP_003997.2, residues 2675-2695): KRVSEREAAL[Glu2685Lys]ETHRLLQQFP

ClinVar aggregate classification (germline): Conflicting classifications of pathogenicity. Review status: criteria provided, conflicting classifications (1 of 4 stars). 8 submissions from 8 submitters: Uncertain significance (5); Likely benign (1). 2 of the submissions do not count toward it. Last evaluated 2025-08-24.

Conditions:
Cardiovascular phenotype. Identifiers: MedGen CN230736.
Dystrophin deficiency.
Cardiomyopathy (CMYO). Also called: Cardiomyopathies. Identifiers: Orphanet 167848, MedGen C0878544, MONDO:0004994, HP:0001638. Inheritance: Various modes of inheritance.
Becker muscular dystrophy (BMD). Also called: Becker Muscular Dystrophy (BMD); MUSCULAR DYSTROPHY, PSEUDOHYPERTROPHIC PROGRESSIVE, BECKER TYPE. Identifiers: Orphanet 98895, MedGen C0917713, MONDO:0010311, OMIM 300376.
Duchenne muscular dystrophy (DMD). Also called: Duchenne Muscular Dystrophy (DMD); MUSCULAR DYSTROPHY, PSEUDOHYPERTROPHIC PROGRESSIVE, DUCHENNE TYPE. Identifiers: Orphanet 98896, MedGen C0013264, MONDO:0010679, OMIM 310200.
Dilated cardiomyopathy 3B (CMD3B). Also called: CMD3B: DMD-Related Dilated Cardiomyopathy; CARDIOMYOPATHY, DILATED, X-LINKED; DMD-Associated Dilated Cardiomyopathy. Identifiers: Orphanet 154, MedGen C3668940, MONDO:0010542, OMIM 302045.
Conduction disorder of the heart. Also called: Cardiac conduction defect. Identifiers: Orphanet 871, MedGen C0264886, MONDO:0100042, OMIM 115080.

Allele frequency attached by ClinVar (database versions not stated): ExAC 0.00001; gnomAD exomes 0.00002 and 0.00003; TOPMed 0.00004; gnomAD 0.00006 and 0.00007.
gnomAD v4.1: 42 of 1,207,464 alleles (0.0035%); highest among the groups gnomAD compares: Non-Finnish European, 0.0046%; no homozygotes.

Submissions (8):

Labcorp Genetics (formerly Invitae), Labcorp
Classification: Likely benign for Duchenne muscular dystrophy. Last evaluated: 2025-08-24. Review status: criteria provided, single submitter. Criteria: Invitae Variant Classification Sherloc (09022015). Collection method: clinical testing. Allele origin: germline.

Fulgent Genetics
Classification: Uncertain significance for Becker muscular dystrophy; Dilated cardiomyopathy 3B; Duchenne muscular dystrophy. Last evaluated: 2021-09-01. Review status: criteria provided, single submitter. Criteria: ACMG Guidelines, 2015. Collection method: clinical testing. Allele origin: unknown.

Ambry Genetics
Classification: Uncertain significance for Cardiovascular phenotype. Last evaluated: 2020-11-10. Review status: criteria provided, single submitter. Criteria: Ambry Variant Classification Scheme 2023. Collection method: clinical testing. Allele origin: germline.
Comment: The p.E2685K variant (also known as c.8053G>A), located in coding exon 55 of the DMD gene, results from a G to A substitution at nucleotide position 8053. The glutamic acid at codon 2685 is replaced by lysine, an amino acid with similar properties. Based on data from gnomAD, the A allele has an overall frequency of <0.01% (3/178205) total alleles studied, with 1 hemizygote observed. The highest observed frequency was <0.01% (3/78996) of European (non-Finnish) alleles. This amino acid position is highly conserved in available vertebrate species. In addition, this alteration is predicted to be deleterious by in silico analysis. Since supporting evidence is limited at this time, the clinical significance of this alteration remains unclear.

Molecular Diagnostic Laboratory for Inherited Cardiovascular Disease, Montreal Heart Institute
Classification: Uncertain significance for Conduction disorder of the heart. Last evaluated: 2019-10-22. Review status: criteria provided, single submitter. Criteria: ACMG Guidelines, 2015. Collection method: clinical testing. Allele origin: germline. Affected: yes.

Revvity Omics, Revvity
Classification: Uncertain significance. Last evaluated: 2019-06-22. Review status: criteria provided, single submitter. Criteria: ACMG Guidelines, 2015. Collection method: clinical testing. Allele origin: germline.

ARUP Laboratories, Molecular Genetics and Genomics, ARUP Laboratories
Classification: Uncertain significance. Last evaluated: 2019-06-14. Review status: criteria provided, single submitter. Criteria: ARUP Molecular Germline Variant Investigation Process. Collection method: clinical testing. Allele origin: germline.
Comment: The DMD c.8053G>A; p.Glu2685Lys variant (rs748937055), to our knowledge, is not reported in the medical literature but is reported in ClinVar (Variation ID: 518815). This variant is found on only three chromosomes (3/178205 alleles, including one hemizygote) in the Genome Aggregation Database. The glutamate at codon 2685 is highly conserved and computational analyses (SIFT, PolyPhen-2) predict that this variant is deleterious. However, due to limited information, the clinical significance of the p.Glu2685Lys variant is uncertain at this time.

Natera, Inc.
Classification: Uncertain significance for Becker muscular dystrophy; Cardiomyopathy; Duchenne muscular dystrophy; Dystrophin deficiency. Last evaluated: 2018-08-31. Review status: no assertion criteria provided. Collection method: clinical testing. Allele origin: germline. Not counted in ClinVar's aggregate classification.

Department of Pathology and Laboratory Medicine, Sinai Health System
Classification: Uncertain significance. Review status: no assertion criteria provided. Collection method: clinical testing. Allele origin: unknown. Affected: yes. Study: The Canadian Open Genetics Repository (COGR). Not counted in ClinVar's aggregate classification.
Comment: The DMD p.Glu1341Lys variant was not identified in the literature nor was it identified in LOVD 3.0. The variant was identified in dbSNP (ID: rs748937055) and ClinVar (classified as a VUS by Invitae and Ambry Genetics). The variant was also identified in control databases in 3 of 178205 chromosomes (1 hemizygous) at a frequency of 0.000017 (Genome Aggregation Database March 6, 2019, v2.1.1) and was observed in the European (non-Finnish) population in 3 of 78996 chromosomes (freq: 0.00002704), but was not observed in the African, Latino, Ashkenazi Jewish, East Asian, European (Finnish), Other or South Asian populations. The p.Glu1341 residue is conserved in mammals but not in more distantly related organisms however four out of five computational analyses (SIFT, AlignGVGD, BLOSUM, MutationTaster) do not suggest a high likelihood of impact to the protein; this information is not predictive enough to rule out pathogenicity. The variant occurs outside of the splicing consensus sequence and in silico or computational prediction software programs (SpliceSiteFinder, MaxEntScan, NNSPLICE, GeneSplicer) do not predict a difference in splicing. In summary, based on the above information the clinical significance of this variant cannot be determined with certainty at this time. This variant is classified as a variant of uncertain significance.